The following is an entry in ClinVar:

NM_001371986.1(UNC80):c.9188G>A (p.Arg3063Lys)

Gene: UNC80 (unc-80 homolog, NALCN channel complex subunit; plus strand). Cytogenetic location: 2q34.
Variant type: single nucleotide variant.
Coding change: c.9188G>A on transcript NM_001371986.1 (MANE Select); coding-DNA position 9188, G replaced by A.
Protein change: p.Arg3063Lys; replaces arginine 3063 with lysine.
Molecular consequence: missense variant.
Genome position (GRCh38, 1-based): chr2:209,982,248, G>A. VCF-style: chr2-209982248-G-A. GRCh37 (hg19) VCF-style: chr2-210846972-G-A.
Other names: c.8990G>A, p.Arg2997Lys (NM_032504.2); c.8975G>A, p.Arg2992Lys (NM_182587.4); short protein forms R2992K, R2997K, R3063K.
Identifiers: ClinVar variation 1979752 (VCV001979752.1), dbSNP rs746488233, ClinGen allele CA2083636.
Genomic context (GRCh38, chr2:209,982,248, plus strand): 5'-TAAGCATGCCCAGCGTGGTAAGTGAACAAGAAGCTTACCTCCTGAGTGCCATTGGAAGGA[G>A]GCGATTCTCCAGCCATGTCTCCAGCATGTCTGTACCTCAGGCTGAGGTGGGCATGCTACC-3'
Protein context (NP_001358915.1, residues 3053-3073): EAYLLSAIGR[Arg3063Lys]RFSSHVSSMS

ClinVar aggregate classification (germline): Uncertain significance (1 of 4 stars; one submission).

Allele frequency attached by ClinVar (database versions not stated): gnomAD exomes below 0.00001; ExAC 0.00005.
gnomAD v4.1: 2 of 1,551,650 alleles (0.00013%); highest among the groups gnomAD compares: Non-Finnish European, 0.00017%; no homozygotes.

Submission:

Labcorp Genetics (formerly Invitae), Labcorp
Classification: Uncertain significance. Last evaluated: 2022-01-11. Review status: criteria provided, single submitter. Criteria: Invitae Variant Classification Sherloc (09022015). Collection method: clinical testing. Allele origin: germline.
Comment: This sequence change replaces arginine, which is basic and polar, with lysine, which is basic and polar, at codon 2997 of the UNC80 protein (p.Arg2997Lys). This variant is present in population databases (rs746488233, gnomAD 0.002%). This variant has not been reported in the literature in individuals affected with UNC80-related conditions. Algorithms developed to predict the effect of missense changes on protein structure and function are either unavailable or do not agree on the potential impact of this missense change (SIFT: "Not Available"; PolyPhen-2: "Probably Damaging"; Align-GVGD: "Not Available"). In summary, the available evidence is currently insufficient to determine the role of this variant in disease. Therefore, it has been classified as a Variant of Uncertain Significance.